The following is an entry in ClinVar:

NM_002485.5(NBN):c.592C>T (p.Pro198Ser)

Gene: NBN (nibrin; minus strand). Cytogenetic location: 8q21.3.
Variant type: single nucleotide variant.
Coding change: c.592C>T on transcript NM_002485.5 (MANE Select); coding-DNA position 592, C replaced by T.
Protein change: p.Pro198Ser; replaces proline 198 with serine.
Molecular consequence: missense variant.
Genome position (GRCh38, 1-based): chr8:89,971,283, G>A on the plus strand (C>T on the coding strand, the complement: NBN is on the minus strand). VCF-style: chr8-89971283-G-A. GRCh37 (hg19) VCF-style: chr8-90983511-G-A.
Other names: c.346C>T, p.Pro116Ser (NM_001024688.3); short protein forms P198S, P116S.
Identifiers: ClinVar variation 483962 (VCV000483962.20), dbSNP rs1554564306, ClinGen allele CA371659324.

ClinVar aggregate classification (germline): Uncertain significance. Review status: criteria provided, multiple submitters, no conflicts (2 of 4 stars). 4 submissions from 4 submitters: Uncertain significance (3). 1 of the submissions does not count toward it. Last evaluated 2024-01-22.

Conditions:
Hereditary cancer-predisposing syndrome. Also called: Hereditary neoplastic syndrome; Neoplastic Syndromes, Hereditary; Tumor predisposition; Hereditary Cancer Syndrome. Identifiers: Orphanet 140162, MedGen C0027672, MeSH D009386, MONDO:0015356.
Microcephaly, normal intelligence and immunodeficiency (NBS). Also called: IMMUNODEFICIENCY, MICROCEPHALY, AND CHROMOSOMAL INSTABILITY; SEEMANOVA SYNDROME II; Nijmegen breakage syndrome; Microcephaly with normal intelligence immunodeficiency and lymphoreticular malignancies; Nonsyndromal microcephaly autosomal recessive with normal intelligence; Seemanova syndrome 2. Identifiers: Orphanet 647, MedGen C0398791, MONDO:0009623, OMIM 251260.

Allele frequency attached by ClinVar (database versions not stated): gnomAD exomes below 0.00001.
gnomAD v4.1: 2 of 1,610,284 alleles (0.00012%); highest among the groups gnomAD compares: East Asian, 0.0022%; no homozygotes.

Submissions (4):

Labcorp Genetics (formerly Invitae), Labcorp
Classification: Uncertain significance for Microcephaly, normal intelligence and immunodeficiency. Last evaluated: 2024-01-22. Review status: criteria provided, single submitter. Criteria: Invitae Variant Classification Sherloc (09022015). Collection method: clinical testing. Allele origin: germline.
Comment: This sequence change replaces proline, which is neutral and non-polar, with serine, which is neutral and polar, at codon 198 of the NBN protein (p.Pro198Ser). This variant is not present in population databases (gnomAD no frequency). This variant has not been reported in the literature in individuals affected with NBN-related conditions. ClinVar contains an entry for this variant (Variation ID: 483962). An algorithm developed to predict the effect of missense changes on protein structure and function (PolyPhen-2) suggests that this variant is likely to be disruptive. In summary, the available evidence is currently insufficient to determine the role of this variant in disease. Therefore, it has been classified as a Variant of Uncertain Significance.

Genome-Nilou Lab
Classification: Uncertain significance for Microcephaly, normal intelligence and immunodeficiency. Last evaluated: 2021-11-07. Review status: criteria provided, single submitter. Criteria: ACMG Guidelines, 2015. Collection method: clinical testing. Allele origin: germline. Affected: no.

Ambry Genetics
Classification: Uncertain significance for Hereditary cancer-predisposing syndrome. Last evaluated: 2016-05-06. Review status: criteria provided, single submitter. Criteria: Ambry Variant Classification Scheme 2023. Collection method: clinical testing. Allele origin: germline.
Comment: The p.P198S variant (also known as c.592C>T), located in coding exon 6 of the NBN gene, results from a C to T substitution at nucleotide position 592. The proline at codon 198 is replaced by serine, an amino acid with similar properties. This variant was not reported in population based cohorts in the following databases: Database of Single Nucleotide Polymorphisms (dbSNP), NHLBI Exome Sequencing Project (ESP), and 1000 Genomes Project. In the ESP, this variant was not observed in 6495 samples (12990 alleles) with coverage at this position. To date, this alteration has been detected with an allele frequency of approximately 0.001% (greater than 120000 alleles tested) in our clinical cohort. This amino acid position is highly conserved in available vertebrate species. In addition, this alteration is predicted to be deleterious by in silico analysis. Since supporting evidence is limited at this time, the clinical significance of this alteration remains unclear.

Natera, Inc.
Classification: Uncertain significance for Nijmegen breakage syndrome. Last evaluated: 2021-07-09. Review status: no assertion criteria provided. Collection method: clinical testing. Allele origin: germline. Not counted in ClinVar's aggregate classification.